The following is an entry in ClinVar:

NM_004793.4(LONP1):c.1882G>A (p.Val628Met)

Gene: LONP1 (lon peptidase 1, mitochondrial; minus strand). Cytogenetic location: 19p13.3.
Variant type: single nucleotide variant.
Coding change: c.1882G>A on transcript NM_004793.4 (MANE Select); coding-DNA position 1882, G replaced by A.
Protein change: p.Val628Met; replaces valine 628 with methionine.
Molecular consequence: missense variant. On other transcripts: non-coding transcript variant (1).
Genome position (GRCh38, 1-based): chr19:5,696,263, C>T on the plus strand (G>A on the coding strand, the complement: LONP1 is on the minus strand). VCF-style: chr19-5696263-C-T. GRCh37 (hg19) VCF-style: chr19-5696274-C-T.
Other names: c.1690G>A, p.Val564Met (NM_001276479.2); c.1294G>A, p.Val432Met (NM_001276480.1); c.1882G>A (NM_004793.3); short protein forms V628M, V432M, V564M.
Identifiers: ClinVar variation 1442106 (VCV001442106.10), dbSNP rs756247881, ClinGen allele CA9114445.

ClinVar aggregate classification (germline): Conflicting classifications of pathogenicity. Review status: criteria provided, conflicting classifications (1 of 4 stars). 3 submissions from 3 submitters: Uncertain significance (2); Likely benign (1). Last evaluated 2026-01-06.

Conditions:
CODAS syndrome. Also called: CEREBRAL, OCULAR, DENTAL, AURICULAR, AND SKELETAL ANOMALIES SYNDROME. Identifiers: Orphanet 1458, MedGen C1838180, MONDO:0010879, OMIM 600373.

Allele frequency attached by ClinVar (database versions not stated): gnomAD 0.00002; gnomAD exomes 0.00003 and 0.00004; TOPMed 0.00004; ExAC 0.00005.
gnomAD v4.1: 45 of 1,613,148 alleles (0.0028%); highest among the groups gnomAD compares: South Asian, 0.019%; no homozygotes.

Submissions (3):

Labcorp Genetics (formerly Invitae), Labcorp
Classification: Likely benign. Last evaluated: 2026-01-06. Review status: criteria provided, single submitter. Criteria: Invitae Variant Classification Sherloc (09022015). Collection method: clinical testing. Allele origin: germline.

Revvity Omics, Revvity
Classification: Uncertain significance for CODAS syndrome. Last evaluated: 2024-02-02. Review status: criteria provided, single submitter. Criteria: ACMG Guidelines, 2015. Collection method: clinical testing. Allele origin: germline.

GeneDx
Classification: Uncertain significance. Last evaluated: 2023-12-23. Review status: criteria provided, single submitter. Criteria: GeneDx Variant Classification Process June 2021. Collection method: clinical testing. Allele origin: germline. Affected: yes.
Comment: Has not been previously published as pathogenic or benign to our knowledge; In silico analysis supports that this missense variant has a deleterious effect on protein structure/function